The following is an entry in ClinVar:

ClinVar aggregate classification (germline): Uncertain significance (1 of 4 stars; one submission).

Submission:

GeneDx
Classification: Uncertain significance. Last evaluated: 2024-02-27. Review status: criteria provided, single submitter. Criteria: GeneDx Variant Classification Process June 2021. Collection method: clinical testing. Allele origin: germline. Affected: yes.
Comment: Has not been previously published as pathogenic or benign to our knowledge; Not observed at significant frequency in large population cohorts (gnomAD); In silico analysis supports that this missense variant has a deleterious effect on protein structure/function; This variant is associated with the following publications: (PMID: 10939567)

NM_170707.4(LMNA):c.921C>A (p.Ser307Arg)

Gene: LMNA (lamin A/C; plus strand). Cytogenetic location: 1q22.
Variant type: single nucleotide variant.
Coding change: c.921C>A on transcript NM_170707.4 (MANE Select); coding-DNA position 921, C replaced by A.
Protein change: p.Ser307Arg; replaces serine 307 with arginine.
Molecular consequence: missense variant.
Genome position (GRCh38, 1-based): chr1:156,135,297, C>A. VCF-style: chr1-156135297-C-A. GRCh37 (hg19) VCF-style: chr1-156105088-C-A.
Other names: c.585C>A, p.Ser195Arg (NM_001257374.3, NM_001406989.1, NM_001406998.1); c.678C>A, p.Ser226Arg (NM_001282624.2, NM_001406986.1, NM_001406987.1); c.921C>A, p.Ser307Arg (NM_001282625.2, NM_001282626.2, NM_001406983.1 and 6 more transcripts); c.624C>A, p.Ser208Arg (NM_001406988.1); c.363C>A, p.Ser121Arg (NM_001406990.1, NM_001406993.1, NM_001406995.1 and 4 more transcripts); c.257C>A, p.Ala86Asp (NM_001406994.1, NM_001406999.1, NM_001407000.1 and 1 more transcripts); short protein forms A86D, S121R, S195R, S208R, S226R, S307R.
Identifiers: ClinVar variation 3369814 (VCV003369814.1).